The following is an entry in ClinVar:

ClinVar aggregate classification (germline): Uncertain significance (1 of 4 stars; one submission).

Allele frequency attached by ClinVar (database versions not stated): gnomAD exomes below 0.00001.
gnomAD v4.1: 1 of 1,613,664 alleles (0.000062%); highest among the groups gnomAD compares: Admixed American, 0.0017%; no homozygotes.

Submission:

Labcorp Genetics (formerly Invitae), Labcorp
Classification: Uncertain significance. Last evaluated: 2023-07-21. Review status: criteria provided, single submitter. Criteria: Invitae Variant Classification Sherloc (09022015). Collection method: clinical testing. Allele origin: germline.
Comment: This sequence change replaces isoleucine, which is neutral and non-polar, with methionine, which is neutral and non-polar, at codon 766 of the ADGRV1 protein (p.Ile766Met). This variant is present in population databases (no rsID available, gnomAD 0.003%). In summary, the available evidence is currently insufficient to determine the role of this variant in disease. Therefore, it has been classified as a Variant of Uncertain Significance. Advanced modeling of protein sequence and biophysical properties (such as structural, functional, and spatial information, amino acid conservation, physicochemical variation, residue mobility, and thermodynamic stability) performed at Invitae indicates that this missense variant is not expected to disrupt ADGRV1 protein function. ClinVar contains an entry for this variant (Variation ID: 1993377). This variant has not been reported in the literature in individuals affected with ADGRV1-related conditions.

NM_032119.4(ADGRV1):c.2298T>G (p.Ile766Met)

Gene: ADGRV1 (adhesion G protein-coupled receptor V1; plus strand). Cytogenetic location: 5q14.3.
Variant type: single nucleotide variant.
Coding change: c.2298T>G on transcript NM_032119.4 (MANE Select); coding-DNA position 2298, T replaced by G.
Protein change: p.Ile766Met; replaces isoleucine 766 with methionine.
Molecular consequence: missense variant. On other transcripts: non-coding transcript variant (1).
Genome position (GRCh38, 1-based): chr5:90,642,693, T>G. VCF-style: chr5-90642693-T-G. GRCh37 (hg19) VCF-style: chr5-89938510-T-G.
Other names: short protein forms I766M.
Identifiers: ClinVar variation 1993377 (VCV001993377.4), dbSNP rs781774979, ClinGen allele CA360387363.